The following is an entry in ClinVar:

NM_001082971.2(DDC):c.714+4A>G

Gene: DDC (dopa decarboxylase; minus strand). Cytogenetic location: 7p12.1.
Variant type: single nucleotide variant.
Coding change: c.714+4A>G on transcript NM_001082971.2 (MANE Select); 4 bases into the intron after coding-DNA position 714, A replaced by G.
Molecular consequence: intron variant.
Genome position (GRCh38, 1-based): chr7:50,528,133, T>C on the plus strand (A>G on the coding strand, the complement: DDC is on the minus strand). VCF-style: chr7-50528133-T-C. GRCh37 (hg19) VCF-style: chr7-50595831-T-C.
Other names: c.480+4A>G (NM_001242888.2); c.600+4A>G (NM_001242886.2); c.435+9727A>G (NM_001242889.2); c.570+1075A>G (NM_001242887.2); c.714+4A>G (NM_000790.4, NM_001242890.2).
Identifiers: ClinVar variation 1465184 (VCV001465184.8), dbSNP rs200362242, ClinGen allele CA2573142187.

ClinVar aggregate classification (germline): Uncertain significance (1 of 4 stars; one submission).

Conditions:
Deficiency of aromatic-L-amino-acid decarboxylase. Also called: Aromatic amino acid decarboxylase deficiency; Aromatic L-Amino Acid Decarboxylase Deficiency; DDC DEFICIENCY; DOPA DECARBOXYLASE DEFICIENCY; AADC DEFICIENCY. Identifiers: Orphanet 35708, MedGen C1291564, MONDO:0012084, OMIM 608643.

Submission:

Labcorp Genetics (formerly Invitae), Labcorp
Classification: Uncertain significance for Deficiency of aromatic-L-amino-acid decarboxylase. Last evaluated: 2022-08-09. Review status: criteria provided, single submitter. Criteria: Invitae Variant Classification Sherloc (09022015). Collection method: clinical testing. Allele origin: germline.
Comment: This variant has not been reported in the literature in individuals affected with DDC-related conditions. This variant is not present in population databases (gnomAD no frequency). This sequence change falls in intron 6 of the DDC gene. It does not directly change the encoded amino acid sequence of the DDC protein. It affects a nucleotide within the consensus splice site. ClinVar contains an entry for this variant (Variation ID: 1465184). In summary, the available evidence is currently insufficient to determine the role of this variant in disease. Therefore, it has been classified as a Variant of Uncertain Significance. This variant disrupts the c.714+4 nucleotide in the DDC gene. Other variant(s) that disrupt this nucleotide have been determined to be pathogenic (PMID: 17533144, 25001633, 28856607). This suggests that this nucleotide is clinically significant, and that variants that disrupt this position are likely to be disease-causing. Variants that disrupt the consensus splice site are a relatively common cause of aberrant splicing (PMID: 17576681, 9536098). Algorithms developed to predict the effect of sequence changes on RNA splicing suggest that this variant may disrupt the consensus splice site.

Literature cited by the submitters: PubMed 17533144; PubMed 25001633; PubMed 28856607; PubMed 17576681; PubMed 9536098.